The following is an entry in ClinVar:

ClinVar aggregate classification (germline): Uncertain significance. Review status: criteria provided, multiple submitters, no conflicts (2 of 4 stars). 3 submissions from 3 submitters: Uncertain significance (2). 1 of the submissions does not count toward it. Last evaluated 2025-05-05.

Conditions:
Pyruvate dehydrogenase complex deficiency (PDHC). Also called: PYRUVATE DECARBOXYLASE DEFICIENCY; Pyruvate Dehydrogenase Complex Deficiency Disease; Pyruvate dehydrogenase deficiency; Ataxia with lactic acidosis 1; PDH DEFICIENCY. Identifiers: Orphanet 765, Orphanet 79243, MedGen C0034345, MONDO:0019169.
Pyruvate dehydrogenase E1-alpha deficiency (PDHAD). Also called: Ataxia, intermittent, with pyruvate dehydrogenase, or decarboxylase, deficiency; ATAXIA, INTERMITTENT, WITH PYRUVATE DEHYDROGENASE DEFICIENCY; ATAXIA WITH LACTIC ACIDOSIS I; ATAXIA, INTERMITTENT, WITH ABNORMAL PYRUVATE METABOLISM. Identifiers: Orphanet 79243, MedGen C1839413, MONDO:0010717, OMIM 312170.

Allele frequency attached by ClinVar (database versions not stated): gnomAD exomes below 0.00001 and 0.00001; TOPMed below 0.00001.
gnomAD v4.1: 1 of 1,210,673 alleles (0.000083%); highest among the groups gnomAD compares: Admixed American, 0.0022%; no homozygotes.

Submissions (3):

Labcorp Genetics (formerly Invitae), Labcorp
Classification: Uncertain significance for Pyruvate dehydrogenase E1-alpha deficiency. Last evaluated: 2025-05-05. Review status: criteria provided, single submitter. Criteria: Invitae Variant Classification Sherloc (09022015). Collection method: clinical testing. Allele origin: germline.
Comment: This sequence change replaces isoleucine, which is neutral and non-polar, with valine, which is neutral and non-polar, at codon 221 of the PDHA1 protein (p.Ile221Val). This variant is present in population databases (no rsID available, gnomAD 0.004%). This variant has not been reported in the literature in individuals affected with PDHA1-related conditions. ClinVar contains an entry for this variant (Variation ID: 991384). Invitae Evidence Modeling of protein sequence and biophysical properties (such as structural, functional, and spatial information, amino acid conservation, physicochemical variation, residue mobility, and thermodynamic stability) indicates that this missense variant is not expected to disrupt PDHA1 protein function with a negative predictive value of 95%. In summary, the available evidence is currently insufficient to determine the role of this variant in disease. Therefore, it has been classified as a Variant of Uncertain Significance.

Athena Diagnostics
Classification: Uncertain significance. Last evaluated: 2022-02-21. Review status: criteria provided, single submitter. Criteria: Athena Diagnostics Criteria. Collection method: clinical testing. Allele origin: unknown.

Natera, Inc.
Classification: Uncertain significance for Pyruvate decarboxylase deficiency. Last evaluated: 2020-08-13. Review status: no assertion criteria provided. Collection method: clinical testing. Allele origin: germline. Not counted in ClinVar's aggregate classification.

NM_000284.4(PDHA1):c.661A>G (p.Ile221Val)

Gene: PDHA1 (pyruvate dehydrogenase E1 subunit alpha 1; plus strand). Cytogenetic location: Xp22.12.
Variant type: single nucleotide variant.
Coding change: c.661A>G on transcript NM_000284.4 (MANE Select); coding-DNA position 661, A replaced by G.
Protein change: p.Ile221Val; replaces isoleucine 221 with valine.
Molecular consequence: missense variant.
Genome position (GRCh38, 1-based): chrX:19,355,406, A>G. VCF-style: chrX-19355406-A-G. GRCh37 (hg19) VCF-style: chrX-19373524-A-G.
Other names: c.775A>G, p.Ile259Val (NM_001173454.2); c.682A>G, p.Ile228Val (NM_001173455.2); c.568A>G, p.Ile190Val (NM_001173456.2); c.661A>G (NM_000284.3); short protein forms I190V, I221V, I228V, I259V.
Identifiers: ClinVar variation 991384 (VCV000991384.3), dbSNP rs1410654779, ClinGen allele CA412394476.